The following is an entry in ClinVar:

NM_001999.4(FBN2):c.7397T>G (p.Ile2466Ser)

Gene: FBN2 (fibrillin 2; minus strand). Cytogenetic location: 5q23.3.
Variant type: single nucleotide variant.
Coding change: c.7397T>G on transcript NM_001999.4 (MANE Select); coding-DNA position 7397, T replaced by G.
Protein change: p.Ile2466Ser; replaces isoleucine 2466 with serine.
Molecular consequence: missense variant.
Genome position (GRCh38, 1-based): chr5:128,277,954, A>C on the plus strand (T>G on the coding strand, the complement: FBN2 is on the minus strand). VCF-style: chr5-128277954-A-C. GRCh37 (hg19) VCF-style: chr5-127613646-A-C.
Other names: short protein forms I2466S.
Identifiers: ClinVar variation 4745157 (VCV004745157.1).
Genomic context (GRCh38, chr5:128,277,954, plus strand): 5'-CCACTGATGTCTGTGGTGTAGCCAACCTTGCAGAAGCATCGGAATGAGCCCATGGTATTG[A>C]TGCACTGACCATTGGTGCAGAGGTTTGGCATTACCTTACATTCATCAATATCTGTGGACC-3'
Protein context (NP_001990.2, residues 2456-2476): MPNLCTNGQC[Ile2466Ser]NTMGSFRCFC

ClinVar aggregate classification (germline): Uncertain significance (1 of 4 stars; one submission).

Conditions:
Congenital contractural arachnodactyly (CCA). Also called: BEALS SYNDROME; Arthrogryposis, distal, type 9; Beals-Hecht syndrome. Identifiers: Orphanet 115, MedGen C0220668, MONDO:0007363, OMIM 121050.

Submission:

Labcorp Genetics (formerly Invitae), Labcorp
Classification: Uncertain significance for Congenital contractural arachnodactyly. Last evaluated: 2025-09-06. Review status: criteria provided, single submitter. Criteria: Invitae Variant Classification Sherloc (09022015). Collection method: clinical testing. Allele origin: germline.
Comment: This sequence change replaces isoleucine, which is neutral and non-polar, with serine, which is neutral and polar, at codon 2466 of the FBN2 protein (p.Ile2466Ser). This variant is not present in population databases (gnomAD no frequency). This variant has not been reported in the literature in individuals affected with FBN2-related conditions. Invitae Evidence Modeling of protein sequence and biophysical properties (such as structural, functional, and spatial information, amino acid conservation, physicochemical variation, residue mobility, and thermodynamic stability) indicates that this missense variant is expected to disrupt FBN2 protein function with a positive predictive value of 80%. In summary, the available evidence is currently insufficient to determine the role of this variant in disease. Therefore, it has been classified as a Variant of Uncertain Significance.